The following is an entry in ClinVar:

ClinVar aggregate classification (germline): Uncertain significance. Review status: criteria provided, multiple submitters, no conflicts (2 of 4 stars). 2 submissions from 2 submitters: Uncertain significance (2). Last evaluated 2023-10-06.

Conditions:
Arrhythmogenic right ventricular cardiomyopathy (ARVD). Also called: Cardiomyopathy, ARVC; Arrhythmogenic right ventricular dysplasia; Arrhythmogenic cardiomyopathy; Arrhythmogenic Right Ventricular Cardiomyopathy (ARVC). Identifiers: Orphanet 247, MedGen C0349788, MeSH D019571, MONDO:0016587. Disease mechanism: loss of function. Inheritance: Various modes of inheritance.
Arrhythmogenic right ventricular dysplasia 10. Also called: Arrhythmogenic right ventricular dysplasia/cardiomyopathy, type 10; Arrhythmogenic Right Ventricular Dysplasia/Cardiomyopathy10; ARRHYTHMOGENIC RIGHT VENTRICULAR DYSPLASIA, FAMILIAL, 10. Identifiers: MedGen C1857777, MONDO:0012434, OMIM 610193.

Allele frequency attached by ClinVar (database versions not stated): TOPMed below 0.00001.
gnomAD v4.1: 1 of 1,613,736 alleles (0.000062%); highest among the groups gnomAD compares: Non-Finnish European, 0.000085%; no homozygotes.

Submissions (2):

All of Us Research Program, National Institutes of Health
Classification: Uncertain significance for Arrhythmogenic right ventricular cardiomyopathy. Last evaluated: 2023-10-06. Review status: criteria provided, single submitter. Criteria: ACMG Guidelines, 2015. Collection method: clinical testing. Allele origin: germline. Inheritance: Autosomal dominant inheritance. Observed: 1 variant allele, 1 heterozygote.
Comment: This missense variant replaces serine with glycine at codon 224 of the DSG2 protein. Computational prediction suggests that this variant may not impact protein structure and function (internally defined REVEL score threshold <= 0.5, PMID: 27666373). To our knowledge, functional studies have not been reported for this variant. This variant has not been reported in individuals affected with DSG2-related disorders in the literature. This variant has not been identified in the general population by the Genome Aggregation Database (gnomAD). The available evidence is insufficient to determine the role of this variant in disease conclusively. Therefore, this variant is classified as a Variant of Uncertain Significance.

This study involves interpretation of variants in research participants for the purpose of population health screening. Participant phenotype was not available at the time of variant classification. Additional details can be found in publication PMID: 35346344, PMCID: PMC8962531

Labcorp Genetics (formerly Invitae), Labcorp
Classification: Uncertain significance for Arrhythmogenic right ventricular dysplasia 10. Last evaluated: 2016-05-28. Review status: criteria provided, single submitter. Criteria: Invitae Variant Classification Sherloc (09022015). Collection method: clinical testing. Allele origin: germline.
Comment: Algorithms developed to predict the effect of missense changes on protein structure and function (SIFT, PolyPhen-2, Align-GVGD) all suggest that this variant is likely to be tolerated, but these predictions have not been confirmed by published functional studies. In summary, this variant is a novel missense change that is not predicted to affect protein function. There is no indication that it causes disease, but the available evidence is currently insufficient to prove that conclusively. Therefore, it has been classified as a Variant of Uncertain Significance. This variant is not present in population databases (ExAC no frequency) and has not been reported in the literature in individuals with a DSG2-related disease. This sequence change replaces serine with glycine at codon 224 of the DSG2 protein (p.Ser224Gly). The serine residue is moderately conserved and there is a small physicochemical difference between serine and glycine.

NM_001943.5(DSG2):c.670A>G (p.Ser224Gly)

Gene: DSG2 (desmoglein 2; plus strand). Cytogenetic location: 18q12.1.
Variant type: single nucleotide variant.
Coding change: c.670A>G on transcript NM_001943.5 (MANE Select); coding-DNA position 670, A replaced by G.
Protein change: p.Ser224Gly; replaces serine 224 with glycine.
Molecular consequence: missense variant.
Genome position (GRCh38, 1-based): chr18:31,522,229, A>G. VCF-style: chr18-31522229-A-G. GRCh37 (hg19) VCF-style: chr18-29102192-A-G.
Other names: c.670A>G (LRG_397t1); short protein forms S224G.
Identifiers: ClinVar variation 410365 (VCV000410365.9), dbSNP rs1060502863, ClinGen allele CA16616048.